The following is an entry in ClinVar:

NM_001144967.3(NEDD4L):c.-3T>G

Genes: NEDD4L (NEDD4 like E3 ubiquitin protein ligase; plus strand), LOC130062568 (ATAC-STARR-seq lymphoblastoid silent region 9483; plus strand). Cytogenetic location: 18q21.31.
Variant type: single nucleotide variant.
Coding change: c.-3T>G on transcript NM_001144967.3 (MANE Select); 3 bases upstream of the start codon, T replaced by G.
Molecular consequence: 5 prime UTR variant.
Genome position (GRCh38, 1-based): chr18:58,044,658, T>G. VCF-style: chr18-58044658-T-G. GRCh37 (hg19) VCF-style: chr18-55711890-T-G.
Other names: c.-3T>G (NM_001243960.2, NM_015277.6).
Identifiers: ClinVar variation 4848644 (VCV004848644.1).

ClinVar aggregate classification (germline): Uncertain significance (1 of 4 stars; one submission).

gnomAD v4.1: 4 of 1,601,014 alleles (0.00025%); highest among the groups gnomAD compares: African/African-American, 0.0041%; no homozygotes.

Submission:

Women's Health and Genetics/Laboratory Corporation of America, LabCorp
Classification: Uncertain significance. Last evaluated: 2026-04-13. Review status: criteria provided, single submitter. Criteria: LabCorp Variant Classification Summary - May 2015. Collection method: clinical testing. Allele origin: germline.
Comment: Variant summary: NEDD4L c.-3T>G is located in the untranslated mRNA region upstream of the initiation codon. The variant was absent in 230406 control chromosomes. The available data on variant occurrences in the general population are insufficient to allow any conclusion about variant significance. To our knowledge, no occurrence of c.-3T>G in individuals affected with NEDD4L-related conditions and no experimental evidence demonstrating its impact on protein function have been reported. No submitters have cited clinical-significance assessments for this variant to ClinVar. Based on the evidence outlined above, the variant was classified as uncertain significance.